The following is an entry in ClinVar:

NM_004519.4(KCNQ3):c.149T>A (p.Val50Glu)

Gene: KCNQ3 (potassium voltage-gated channel subfamily Q member 3; minus strand). Cytogenetic location: 8q24.22.
Variant type: single nucleotide variant.
Coding change: c.149T>A on transcript NM_004519.4 (MANE Select); coding-DNA position 149, T replaced by A.
Protein change: p.Val50Glu; replaces valine 50 with glutamic acid.
Molecular consequence: missense variant.
Genome position (GRCh38, 1-based): chr8:132,480,384, A>T on the plus strand (T>A on the coding strand, the complement: KCNQ3 is on the minus strand). VCF-style: chr8-132480384-A-T. GRCh37 (hg19) VCF-style: chr8-133492631-A-T.
Other names: short protein forms V50E.
Identifiers: ClinVar variation 3667803 (VCV003667803.2).

ClinVar aggregate classification (germline): Uncertain significance (1 of 4 stars; one submission).

Conditions:
Benign neonatal seizures. Also called: Benign familial neonatal seizures; Benign familial neonatal epilepsy; Convulsions benign familial neonatal dominant form; Autosomal dominant form of benign neonatal seizures; Benign neonatal familial convulsions. Identifiers: Orphanet 1949, MedGen C0220669, MONDO:0016027.

gnomAD v4.1: 2 of 1,559,968 alleles (0.00013%); highest among the groups gnomAD compares: Admixed American, 0.0018%; no homozygotes.

Submission:

Labcorp Genetics (formerly Invitae), Labcorp
Classification: Uncertain significance for Benign neonatal seizures. Last evaluated: 2024-10-31. Review status: criteria provided, single submitter. Criteria: Invitae Variant Classification Sherloc (09022015). Collection method: clinical testing. Allele origin: germline.
Comment: This sequence change replaces valine, which is neutral and non-polar, with glutamic acid, which is acidic and polar, at codon 50 of the KCNQ3 protein (p.Val50Glu). The frequency data for this variant in the population databases is considered unreliable, as metrics indicate poor data quality at this position in the gnomAD database. This variant has not been reported in the literature in individuals affected with KCNQ3-related conditions. Invitae Evidence Modeling of protein sequence and biophysical properties (such as structural, functional, and spatial information, amino acid conservation, physicochemical variation, residue mobility, and thermodynamic stability) indicates that this missense variant is not expected to disrupt KCNQ3 protein function with a negative predictive value of 95%. In summary, the available evidence is currently insufficient to determine the role of this variant in disease. Therefore, it has been classified as a Variant of Uncertain Significance.